The following is an entry in ClinVar:

NM_032776.3(JMJD1C):c.3490C>A (p.Pro1164Thr)

Gene: JMJD1C (jumonji domain containing 1C; minus strand). Cytogenetic location: 10q21.3.
Variant type: single nucleotide variant.
Coding change: c.3490C>A on transcript NM_032776.3 (MANE Select); coding-DNA position 3490, C replaced by A.
Protein change: p.Pro1164Thr; replaces proline 1164 with threonine.
Molecular consequence: missense variant. On other transcripts: non-coding transcript variant (1).
Genome position (GRCh38, 1-based): chr10:63,208,179, G>T on the plus strand (C>A on the coding strand, the complement: JMJD1C is on the minus strand). VCF-style: chr10-63208179-G-T. GRCh37 (hg19) VCF-style: chr10-64967939-G-T.
Other names: c.2944C>A, p.Pro982Thr (NM_001282948.2, NM_001318154.2); c.2626C>A, p.Pro876Thr (NM_001318153.2); c.3376C>A, p.Pro1126Thr (NM_001322252.2); c.2833C>A, p.Pro945Thr (NM_001322254.2, NM_001322258.2); short protein forms P1126T, P1164T, P876T, P945T, P982T.
Identifiers: ClinVar variation 4803397 (VCV004803397.1).

ClinVar aggregate classification (germline): Uncertain significance (1 of 4 stars; one submission).

Conditions:
Early Myoclonic Encephalopathy. Identifiers: MedGen C0270855.

gnomAD v4.1: 7 of 1,613,602 alleles (0.00043%); highest among the groups gnomAD compares: Admixed American, 0.0033%; no homozygotes.

Submission:

Labcorp Genetics (formerly Invitae), Labcorp
Classification: Uncertain significance for Early Myoclonic Encephalopathy. Last evaluated: 2025-06-15. Review status: criteria provided, single submitter. Criteria: Invitae Variant Classification Sherloc (09022015). Collection method: clinical testing. Allele origin: germline.
Comment: This sequence change replaces proline, which is neutral and non-polar, with threonine, which is neutral and polar, at codon 1164 of the JMJD1C protein (p.Pro1164Thr). This variant is present in population databases (rs760271481, gnomAD 0.0009%). This variant has not been reported in the literature in individuals affected with JMJD1C-related conditions. Invitae Evidence Modeling of protein sequence and biophysical properties (such as structural, functional, and spatial information, amino acid conservation, physicochemical variation, residue mobility, and thermodynamic stability) indicates that this missense variant is not expected to disrupt JMJD1C protein function with a negative predictive value of 80%. In summary, the available evidence is currently insufficient to determine the role of this variant in disease. Therefore, it has been classified as a Variant of Uncertain Significance.